The following is an entry in ClinVar:

ClinVar aggregate classification (germline): Uncertain significance. Review status: criteria provided, multiple submitters, no conflicts (2 of 4 stars). 3 submissions from 3 submitters: Uncertain significance (3). Last evaluated 2025-04-08.

Conditions:
Cardiovascular phenotype. Identifiers: MedGen CN230736.

Allele frequency attached by ClinVar (database versions not stated): gnomAD exomes below 0.00001.
gnomAD v4.1: 3 of 1,614,032 alleles (0.00019%); highest among the groups gnomAD compares: Non-Finnish European, 0.00017%; no homozygotes.

Submissions (3):

Molecular Diagnostic Laboratory for Inherited Cardiovascular Disease, Montreal Heart Institute
Classification: Uncertain significance for Cardiovascular phenotype. Last evaluated: 2025-04-08. Review status: criteria provided, single submitter. Criteria: ACMG Guidelines, 2015. Collection method: clinical testing. Allele origin: germline. Affected: yes.
Comment: PM2

Women's Health and Genetics/Laboratory Corporation of America, LabCorp
Classification: Uncertain significance. Last evaluated: 2024-09-20. Review status: criteria provided, single submitter. Criteria: LabCorp Variant Classification Summary - May 2015. Collection method: clinical testing. Allele origin: germline.
Comment: Variant summary: APOB c.10129C>A (p.Leu3377Met) results in a conservative amino acid change in the encoded protein sequence. Three of five in-silico tools predict a damaging effect of the variant on protein function. The variant allele was found at a frequency of 1.9e-06 in 1614032 control chromosomes (gnomAD database v4). The available data on variant occurrences in the general population are insufficient to allow any conclusion about variant significance. To our knowledge, no occurrence of c.10129C>A in individuals affected with Early Onset Coronary Artery Disease and no experimental evidence demonstrating its impact on protein function have been reported. ClinVar contains an entry for this variant (Variation ID: 684813). Based on the evidence outlined above, the variant was classified as uncertain significance.

Ambry Genetics
Classification: Uncertain significance for Cardiovascular phenotype. Last evaluated: 2023-10-16. Review status: criteria provided, single submitter. Criteria: Ambry Variant Classification Scheme 2023. Collection method: clinical testing. Allele origin: germline.

NM_000384.3(APOB):c.10129C>A (p.Leu3377Met)

Gene: APOB (apolipoprotein B; minus strand). Cytogenetic location: 2p24.1.
Variant type: single nucleotide variant.
Coding change: c.10129C>A on transcript NM_000384.3 (MANE Select); coding-DNA position 10129, C replaced by A.
Protein change: p.Leu3377Met; replaces leucine 3377 with methionine.
Molecular consequence: missense variant.
Genome position (GRCh38, 1-based): chr2:21,006,739, G>T on the plus strand (C>A on the coding strand, the complement: APOB is on the minus strand). VCF-style: chr2-21006739-G-T. GRCh37 (hg19) VCF-style: chr2-21229611-G-T.
Other names: short protein forms L3377M.
Identifiers: ClinVar variation 684813 (VCV000684813.5), dbSNP rs1572778990, ClinGen allele CA345987430.